The following is an entry in ClinVar:

NM_001370259.2(MEN1):c.303C>T (p.Val101=)

Gene: MEN1 (menin 1; minus strand). Cytogenetic location: 11q13.1.
Variant type: single nucleotide variant.
Coding change: c.303C>T on transcript NM_001370259.2 (MANE Select); coding-DNA position 303, C replaced by T.
Protein change: p.Val101=; no amino-acid change (valine 101 retained).
Molecular consequence: synonymous variant.
Genome position (GRCh38, 1-based): chr11:64,809,807, G>A on the plus strand (C>T on the coding strand, the complement: MEN1 is on the minus strand). VCF-style: chr11-64809807-G-A. GRCh37 (hg19) VCF-style: chr11-64577279-G-A.
Other names: c.303C>T, p.Val101= (NM_000244.4, NM_001370251.2, NM_001370260.2 and 9 more transcripts); c.303C>T (NM_000244.3).
Identifiers: ClinVar variation 457320 (VCV000457320.17), dbSNP rs1463347315, ClinGen allele CA475163545.

ClinVar aggregate classification (germline): Benign/Likely benign. Review status: criteria provided, multiple submitters, no conflicts (2 of 4 stars). 6 submissions from 6 submitters: Benign (1); Likely benign (5). Last evaluated 2024-10-31.

Conditions:
Hereditary cancer-predisposing syndrome. Also called: Neoplastic Syndromes, Hereditary; Hereditary Cancer Syndrome; Hereditary neoplastic syndrome; Tumor predisposition. Identifiers: Orphanet 140162, MedGen C0027672, MeSH D009386, MONDO:0015356.
Multiple endocrine neoplasia, type 1 (MEN1). Also called: MEN I; WERMER SYNDROME; MEA I; Endocrine adenomatosis multiple; MEN 1. Identifiers: Orphanet 652, MedGen C0025267, MeSH D018761, MONDO:0007540, OMIM 131100.

Allele frequency attached by ClinVar (database versions not stated): gnomAD exomes below 0.00001; gnomAD 0.00001; TOPMed 0.00001.
gnomAD v4.1: 8 of 1,613,790 alleles (0.0005%); highest among the groups gnomAD compares: Middle Eastern, 0.016%; no homozygotes.

Submissions (6):

Myriad Genetics, Inc.
Classification: Benign for Multiple endocrine neoplasia, type 1. Last evaluated: 2024-10-31. Review status: criteria provided, single submitter. Criteria: Myriad Autosomal Dominant, Autosomal Recessive and X-Linked Classification Criteria (2023). Collection method: clinical testing. Allele origin: unknown.
Comment: This variant is considered benign. This variant is a silent/synonymous amino acid change and it is not expected to impact splicing.

Labcorp Genetics (formerly Invitae), Labcorp
Classification: Likely benign for Multiple endocrine neoplasia, type 1. Last evaluated: 2024-09-09. Review status: criteria provided, single submitter. Criteria: Invitae Variant Classification Sherloc (09022015). Collection method: clinical testing. Allele origin: germline.

Blueprint Genetics
Classification: Likely benign. Last evaluated: 2023-12-22. Review status: criteria provided, single submitter. Criteria: ACMG Guidelines, 2015. Collection method: clinical testing. Allele origin: germline.

KCCC/NGS Laboratory, Kuwait Cancer Control Center
Classification: Likely benign for Multiple endocrine neoplasia, type 1. Last evaluated: 2023-07-07. Review status: criteria provided, single submitter. Criteria: ACMG Guidelines, 2015. Collection method: clinical testing. Allele origin: germline. Affected: yes.

All of Us Research Program, National Institutes of Health
Classification: Likely benign for Multiple endocrine neoplasia, type 1. Last evaluated: 2023-05-16. Review status: criteria provided, single submitter. Criteria: ACMG Guidelines, 2015. Collection method: clinical testing. Allele origin: germline. Inheritance: Autosomal dominant inheritance. Observed: 1 variant allele, 1 heterozygote.
Comment: This study involves interpretation of variants in research participants for the purpose of population health screening. Participant phenotype was not available at the time of variant classification. Additional details can be found in publication PMID: 35346344, PMCID: PMC8962531

Ambry Genetics
Classification: Likely benign for Hereditary cancer-predisposing syndrome. Last evaluated: 2022-04-27. Review status: criteria provided, single submitter. Criteria: Ambry Variant Classification Scheme 2023. Collection method: clinical testing. Allele origin: germline.